The following is an entry in ClinVar:

NM_003446.4(ZNF157):c.576C>T (p.Cys192=)

Gene: ZNF157 (zinc finger protein 157; plus strand). Cytogenetic location: Xp11.3.
Variant type: single nucleotide variant.
Coding change: c.576C>T on transcript NM_003446.4 (MANE Select); coding-DNA position 576, C replaced by T.
Protein change: p.Cys192=; no amino-acid change (cysteine 192 retained).
Molecular consequence: synonymous variant.
Genome position (GRCh38, 1-based): chrX:47,412,649, C>T. VCF-style: chrX-47412649-C-T. GRCh37 (hg19) VCF-style: chrX-47272048-C-T.
Identifiers: ClinVar variation 2660422 (VCV002660422.24), dbSNP rs140043132, ClinGen allele CA10397456.
Genomic context (GRCh38, chrX:47,412,649, plus strand): 5'-TAGGAAGTCAAACCTTGTTGAACATCTGAGAATACACACAGGAGAGAGACCCTATGAATG[C>T]GGTGAATGTGCAAAAACCTTCAGTGCAAGATCATACCTCATTGCTCATCAGAAAACTCAC-3'
Protein context (NP_003437.2, residues 182-202): RIHTGERPYE[Cys192=]GECAKTFSAR

ClinVar aggregate classification (germline): Likely benign (1 of 4 stars; one submission).

Allele frequency attached by ClinVar (database versions not stated): ESP Exome Variant Server 0.00009; TOPMed 0.00011; gnomAD 0.00020; gnomAD exomes 0.00021; ExAC 0.00043.
gnomAD v4.1: 255 of 1,208,667 alleles (0.021%); highest among the groups gnomAD compares: South Asian, 0.076%; 1 homozygote.

Submission:

CeGaT Center for Human Genetics Tuebingen
Classification: Likely benign. Last evaluated: 2023-04-01. Review status: criteria provided, single submitter. Criteria: CeGaT Center For Human Genetics Tuebingen Variant Classification Criteria Version 2. Collection method: clinical testing. Allele origin: germline. Affected: yes. Observed: 1 variant allele.
Comment: ZNF157: BP4, BP7, BS2